The following is an entry in ClinVar:

NM_001130823.3(DNMT1):c.876A>C (p.Glu292Asp)

Gene: DNMT1 (DNA methyltransferase 1; minus strand). Cytogenetic location: 19p13.2.
Variant type: single nucleotide variant.
Coding change: c.876A>C on transcript NM_001130823.3 (MANE Select); coding-DNA position 876, A replaced by C.
Protein change: p.Glu292Asp; replaces glutamic acid 292 with aspartic acid.
Molecular consequence: missense variant.
Genome position (GRCh38, 1-based): chr19:10,166,613, T>G on the plus strand (A>C on the coding strand, the complement: DNMT1 is on the minus strand). VCF-style: chr19-10166613-T-G. GRCh37 (hg19) VCF-style: chr19-10277289-T-G.
Other names: c.828A>C, p.Glu276Asp (NM_001318730.2, NM_001379.4); c.513A>C, p.Glu171Asp (NM_001318731.2); short protein forms E171D, E276D, E292D.
Identifiers: ClinVar variation 1362106 (VCV001362106.6), dbSNP rs1018990466, ClinGen allele CA305178411.

ClinVar aggregate classification (germline): Uncertain significance (1 of 4 stars; one submission).

Conditions:
Hereditary sensory neuropathy-deafness-dementia syndrome. Also called: NEUROPATHY, HEREDITARY SENSORY, WITH HEARING LOSS AND DEMENTIA; Hereditary sensory neuropathy type IE; HSN IE; Hereditary Sensory and Autonomic Neuropathy Type 1E (HSAN1E). Identifiers: Orphanet 456318, MedGen C3279885, MONDO:0013584, OMIM 614116.

Allele frequency attached by ClinVar (database versions not stated): gnomAD exomes below 0.00001; gnomAD 0.00001; TOPMed 0.00001.
gnomAD v4.1: 4 of 1,614,074 alleles (0.00025%); highest among the groups gnomAD compares: African/African-American, 0.0053%; no homozygotes.

Submission:

Labcorp Genetics (formerly Invitae), Labcorp
Classification: Uncertain significance for Hereditary sensory neuropathy-deafness-dementia syndrome. Last evaluated: 2021-08-12. Review status: criteria provided, single submitter. Criteria: Invitae Variant Classification Sherloc (09022015). Collection method: clinical testing. Allele origin: germline.
Comment: This sequence change replaces glutamic acid with aspartic acid at codon 292 of the DNMT1 protein (p.Glu292Asp). The glutamic acid residue is weakly conserved and there is a small physicochemical difference between glutamic acid and aspartic acid. In summary, the available evidence is currently insufficient to determine the role of this variant in disease. Therefore, it has been classified as a Variant of Uncertain Significance. Algorithms developed to predict the effect of missense changes on protein structure and function output the following: SIFT: "Tolerated"; PolyPhen-2: "Benign"; Align-GVGD: "Class C0". The aspartic acid amino acid residue is found in multiple mammalian species, which suggests that this missense change does not adversely affect protein function. This variant has not been reported in the literature in individuals affected with DNMT1-related conditions. This variant is not present in population databases (ExAC no frequency).